The following is an entry in ClinVar:

ClinVar aggregate classification (germline): Benign/Likely benign. Review status: criteria provided, single submitter (1 of 4 stars). 2 submissions from 1 submitter: Benign (1); Likely benign (1). Last evaluated 2018-01-12.

Conditions:
Charcot-Marie-Tooth disease type 4C (CMT4C). Also called: CHARCOT-MARIE-TOOTH DISEASE, DEMYELINATING, AUTOSOMAL RECESSIVE, TYPE 4C; CMT 4C; Charcot-Marie-Tooth Neuropathy Type 4C (CMT4C); CHARCOT-MARIE-TOOTH DISEASE, DEMYELINATING, TYPE 4C; SH3TC2-Related Hereditary Motor and Sensory Neuropathy. Identifiers: Orphanet 99949, MedGen C1866636, MONDO:0011113, OMIM 601596.
Susceptibility to mononeuropathy of the median nerve, mild. Also called: CARPAL TUNNEL SYNDROME, SUSCEPTIBILITY TO. Identifiers: MedGen C3150596, MONDO:0013237, OMIM 613353.

Allele frequency attached by ClinVar (database versions not stated): gnomAD 0.00289 and 0.00314; TOPMed 0.00301; 1000 Genomes Project 0.00399; 1000 Genomes Project 30x 0.00453.

Submissions (2):

Illumina Laboratory Services, Illumina
Classification: Likely benign for Charcot-Marie-Tooth disease type 4C. Last evaluated: 2018-01-12. Review status: criteria provided, single submitter. Criteria: ICSL Variant Classification Criteria 13 December 2019. Collection method: clinical testing. Allele origin: germline.
Comment: This variant was observed in the ICSL laboratory as part of a predisposition screen in an ostensibly healthy population. It had not been previously curated by ICSL or reported in the Human Gene Mutation Database (HGMD: prior to June 1st, 2018), and was therefore a candidate for classification through an automated scoring system. Utilizing variant allele frequency, disease prevalence and penetrance estimates, and inheritance mode, an automated score was calculated to assess if this variant is too frequent to cause the disease. Based on the score and internal cut-off values, a variant classified as likely benign is not then subjected to further curation. The score for this variant resulted in a classification of likely benign for this disease.

Illumina Laboratory Services, Illumina
Classification: Benign for Susceptibility to mononeuropathy of the median nerve, mild. Last evaluated: 2018-01-12. Review status: criteria provided, single submitter. Criteria: ICSL Variant Classification Criteria 13 December 2019. Collection method: clinical testing. Allele origin: germline.
Comment: This variant was observed in the ICSL laboratory as part of a predisposition screen in an ostensibly healthy population. It had not been previously curated by ICSL or reported in the Human Gene Mutation Database (HGMD: prior to June 1st, 2018), and was therefore a candidate for classification through an automated scoring system. Utilizing variant allele frequency, disease prevalence and penetrance estimates, and inheritance mode, an automated score was calculated to assess if this variant is too frequent to cause the disease. Based on the score and internal cut-off values, a variant classified as benign is not then subjected to further curation. The score for this variant resulted in a classification of benign for this disease.

NM_024577.4(SH3TC2):c.*16784C>T

Gene: SH3TC2 (SH3 domain and tetratricopeptide repeats 2; minus strand). Cytogenetic location: 5q32.
Variant type: single nucleotide variant.
Coding change: c.*16784C>T on transcript NM_024577.4 (MANE Select); 16784 bases downstream of the stop codon, C replaced by T.
Molecular consequence: 3 prime UTR variant.
Genome position (GRCh38, 1-based): chr5:148,987,927, G>A on the plus strand (C>T on the coding strand, the complement: SH3TC2 is on the minus strand). VCF-style: chr5-148987927-G-A. GRCh37 (hg19) VCF-style: chr5-148367490-G-A.
Identifiers: ClinVar variation 351632 (VCV000351632.5), dbSNP rs144720540, ClinGen allele CA10620585.